The following is an entry in ClinVar:

ClinVar aggregate classification (germline): Uncertain significance (1 of 4 stars; one submission).

Submission:

Athena Diagnostics
Classification: Uncertain significance. Last evaluated: 2023-08-16. Review status: criteria provided, single submitter. Criteria: Athena Diagnostics Criteria. Collection method: clinical testing. Allele origin: unknown.
Comment: Available data are insufficient to determine the clinical significance of the variant at this time. This variant has not been reported in large, multi-ethnic general populations. Computational tools yielded inconclusive predictions regarding the effect of this variant on RNA splicing.

NM_004320.6(ATP2A1):c.1288-5C>G

Gene: ATP2A1 (ATPase sarcoplasmic/endoplasmic reticulum Ca2+ transporting 1; plus strand). Cytogenetic location: 16p11.2.
Variant type: single nucleotide variant.
Coding change: c.1288-5C>G on transcript NM_004320.6 (MANE Select); 5 bases into the intron before coding-DNA position 1288, C replaced by G.
Molecular consequence: intron variant.
Genome position (GRCh38, 1-based): chr16:28,894,817, C>G. VCF-style: chr16-28894817-C-G. GRCh37 (hg19) VCF-style: chr16-28906138-C-G.
Other names: c.1288-5C>G (NM_173201.5); c.913-5C>G (NM_001286075.2).
Identifiers: ClinVar variation 2684369 (VCV002684369.1), dbSNP rs2506318761, ClinGen allele CA2697555744.